The following is an entry in ClinVar:

NM_000455.5(STK11):c.863-13G>A

Gene: STK11 (serine/threonine kinase 11; plus strand). Cytogenetic location: 19p13.3.
Variant type: single nucleotide variant.
Coding change: c.863-13G>A on transcript NM_000455.5 (MANE Select); 13 bases into the intron before coding-DNA position 863, G replaced by A.
Molecular consequence: intron variant.
Genome position (GRCh38, 1-based): chr19:1,221,936, G>A. VCF-style: chr19-1221936-G-A. GRCh37 (hg19) VCF-style: chr19-1221935-G-A.
Identifiers: ClinVar variation 1983317 (VCV001983317.4), dbSNP rs777782595, ClinGen allele CA992491497.

ClinVar aggregate classification (germline): Uncertain significance (1 of 4 stars; one submission).

Conditions:
Peutz-Jeghers syndrome (PJS). Also called: Peutz-Jeghers polyposis; Periorificial lentiginosis syndrome; POLYPOSIS, HAMARTOMATOUS INTESTINAL; POLYPS-AND-SPOTS SYNDROME. Identifiers: Orphanet 2869, MedGen C0031269, MeSH D010580, MONDO:0008280, OMIM 175200.

Allele frequency attached by ClinVar (database versions not stated): TOPMed below 0.00001; gnomAD 0.00001.

Submission:

Labcorp Genetics (formerly Invitae), Labcorp
Classification: Uncertain significance for Peutz-Jeghers syndrome. Last evaluated: 2024-03-07. Review status: criteria provided, single submitter. Criteria: Invitae Variant Classification Sherloc (09022015). Collection method: clinical testing. Allele origin: germline.
Comment: This sequence change falls in intron 6 of the STK11 gene. It does not directly change the encoded amino acid sequence of the STK11 protein. This variant is not present in population databases (gnomAD no frequency). This variant has not been reported in the literature in individuals affected with STK11-related conditions. ClinVar contains an entry for this variant (Variation ID: 1983317). Algorithms developed to predict the effect of sequence changes on RNA splicing suggest that this variant may disrupt the consensus splice site. In summary, the available evidence is currently insufficient to determine the role of this variant in disease. Therefore, it has been classified as a Variant of Uncertain Significance.